The following is an entry in ClinVar:

NM_001018005.2(TPM1):c.95C>T (p.Ala32Val)

Gene: TPM1 (tropomyosin 1; plus strand). Cytogenetic location: 15q22.2.
Variant type: single nucleotide variant.
Coding change: c.95C>T on transcript NM_001018005.2 (MANE Select); coding-DNA position 95, C replaced by T.
Protein change: p.Ala32Val; replaces alanine 32 with valine.
Molecular consequence: missense variant. On other transcripts: non-coding transcript variant (11).
Genome position (GRCh38, 1-based): chr15:63,042,924, C>T. VCF-style: chr15-63042924-C-T. GRCh37 (hg19) VCF-style: chr15-63335123-C-T.
Other names: c.95C>T, p.Ala32Val (NM_000366.6, NM_001018004.2, NM_001018006.2 and 24 more transcripts); short protein forms A32V.
Identifiers: ClinVar variation 2774661 (VCV002774661.5), dbSNP rs2542413020, ClinGen allele CA392718136.
Genomic context (GRCh38, chr15:63,042,924, plus strand): 5'-AGCTCGACAAGGAGAACGCCTTGGATCGAGCTGAGCAGGCGGAGGCCGACAAGAAGGCGG[C>T]GGAAGACAGGAGCAAGCAGGTCTGCGCCTCCCCGGCCCTGCGCCCGCGCCCAGAGCGCCG-3'
Protein context (NP_001018005.1, residues 22-42): AEQAEADKKA[Ala32Val]EDRSKQLEDE

ClinVar aggregate classification (germline): Uncertain significance. Review status: criteria provided, multiple submitters, no conflicts (2 of 4 stars). 3 submissions from 3 submitters: Uncertain significance (3). Last evaluated 2024-07-03.

Conditions:
Cardiomyopathy (CMYO). Also called: Cardiomyopathies. Identifiers: Orphanet 167848, MedGen C0878544, MONDO:0004994, HP:0001638. Inheritance: Various modes of inheritance.
Hypertrophic cardiomyopathy. Also called: HYPERTROPHIC MYOCARDIOPATHY. Identifiers: Orphanet 217569, MedGen C0007194, MeSH D002312, MONDO:0005045, HP:0001639.

Allele frequency attached by ClinVar (database versions not stated): gnomAD exomes below 0.00001.
gnomAD v4.1: 2 of 1,603,956 alleles (0.00012%); highest among the groups gnomAD compares: East Asian, 0.0022%; no homozygotes.

Submissions (3):

Labcorp Genetics (formerly Invitae), Labcorp
Classification: Uncertain significance for Hypertrophic cardiomyopathy. Last evaluated: 2024-07-03. Review status: criteria provided, single submitter. Criteria: Invitae Variant Classification Sherloc (09022015). Collection method: clinical testing. Allele origin: germline.
Comment: This sequence change replaces alanine, which is neutral and non-polar, with valine, which is neutral and non-polar, at codon 32 of the TPM1 protein (p.Ala32Val). This variant is not present in population databases (gnomAD no frequency). This variant has not been reported in the literature in individuals affected with TPM1-related conditions. An algorithm developed to predict the effect of missense changes on protein structure and function (PolyPhen-2) suggests that this variant is likely to be disruptive. In summary, the available evidence is currently insufficient to determine the role of this variant in disease. Therefore, it has been classified as a Variant of Uncertain Significance.

Color Diagnostics, LLC DBA Color Health
Classification: Uncertain significance for Cardiomyopathy. Last evaluated: 2024-03-06. Review status: criteria provided, single submitter. Criteria: ACMG Guidelines, 2015. Collection method: clinical testing. Allele origin: germline.
Comment: This missense variant replaces alanine with valine at codon 32 of the TPM1 protein. Computational prediction is inconclusive regarding the impact of this variant on protein structure and function (internally defined REVEL score threshold 0.5 < inconclusive < 0.7, PMID: 27666373). To our knowledge, functional studies have not been reported for this variant. This variant has not been reported in individuals affected with TPM1-related disorders in the literature. This variant has not been identified in the general population by the Genome Aggregation Database (gnomAD). The available evidence is insufficient to determine the role of this variant in disease conclusively. Therefore, this variant is classified as a Variant of Uncertain Significance.

All of Us Research Program, National Institutes of Health
Classification: Uncertain significance for Hypertrophic cardiomyopathy. Last evaluated: 2023-06-08. Review status: criteria provided, single submitter. Criteria: ACMG Guidelines, 2015. Collection method: clinical testing. Allele origin: germline. Inheritance: Autosomal dominant inheritance. Observed: 1 variant allele, 1 heterozygote.
Comment: This missense variant replaces alanine with valine at codon 32 of the TPM1 protein. Computational prediction is inconclusive regarding the impact of this variant on protein structure and function (internally defined REVEL score threshold 0.5 < inconclusive < 0.7, PMID: 27666373). To our knowledge, functional studies have not been reported for this variant. This variant has not been reported in individuals affected with TPM1-related disorders in the literature. This variant has not been identified in the general population by the Genome Aggregation Database (gnomAD). The available evidence is insufficient to determine the role of this variant in disease conclusively. Therefore, this variant is classified as a Variant of Uncertain Significance.

This study involves interpretation of variants in research participants for the purpose of population health screening. Participant phenotype was not available at the time of variant classification. Additional details can be found in publication PMID: 35346344, PMCID: PMC8962531